The following is an entry in ClinVar:

NM_001286.5(CLCN6):c.1085G>A (p.Arg362His)

Gene: CLCN6 (chloride voltage-gated channel 6; plus strand). Cytogenetic location: 1p36.22.
Variant type: single nucleotide variant.
Coding change: c.1085G>A on transcript NM_001286.5 (MANE Select); coding-DNA position 1085, G replaced by A.
Protein change: p.Arg362His; replaces arginine 362 with histidine.
Molecular consequence: missense variant. On other transcripts: non-coding transcript variant (1).
Genome position (GRCh38, 1-based): chr1:11,828,588, G>A. VCF-style: chr1-11828588-G-A. GRCh37 (hg19) VCF-style: chr1-11888645-G-A.
Other names: c.1019G>A, p.Arg340His (NM_001256959.2); short protein forms R340H, R362H.
Identifiers: ClinVar variation 2173542 (VCV002173542.4), dbSNP rs770022946, ClinGen allele CA596323.

ClinVar aggregate classification (germline): Uncertain significance (1 of 4 stars; one submission).

Allele frequency attached by ClinVar (database versions not stated): ExAC 0.00001; gnomAD 0.00002; TOPMed 0.00002.
gnomAD v4.1: 15 of 1,613,478 alleles (0.00093%); highest among the groups gnomAD compares: African/African-American, 0.0053%; no homozygotes.

Submission:

Labcorp Genetics (formerly Invitae), Labcorp
Classification: Uncertain significance. Last evaluated: 2025-06-22. Review status: criteria provided, single submitter. Criteria: Invitae Variant Classification Sherloc (09022015). Collection method: clinical testing. Allele origin: germline.
Comment: This sequence change replaces arginine, which is basic and polar, with histidine, which is basic and polar, at codon 362 of the CLCN6 protein (p.Arg362His). This variant is present in population databases (rs770022946, gnomAD 0.01%). This variant has not been reported in the literature in individuals affected with CLCN6-related conditions. ClinVar contains an entry for this variant (Variation ID: 2173542). An algorithm developed to predict the effect of missense changes on protein structure and function (PolyPhen-2) suggests that this variant is likely to be disruptive. In summary, the available evidence is currently insufficient to determine the role of this variant in disease. Therefore, it has been classified as a Variant of Uncertain Significance.